The following is an entry in ClinVar:

NM_002435.3(MPI):c.1150del (p.Thr384fs)

Gene: MPI (mannose phosphate isomerase; plus strand). Cytogenetic location: 15q24.1.
Variant type: Deletion.
Coding change: c.1150del on transcript NM_002435.3 (MANE Select); coding-DNA position 1150, one base deleted (A; older notation c.1150delA).
Protein change: p.Thr384fs; shifts the reading frame from threonine 384.
Molecular consequence: frameshift variant. On other transcripts: 3 prime UTR variant (1).
Genome position (GRCh38, 1-based): chr15:74,897,608, A deleted; the last of 2 consecutive A bases (chr15:74,897,607-74,897,608); deleting either gives the same sequence. VCF-style (leftmost placement, unchanged base first): chr15-74897606-CA-C. GRCh37 (hg19) VCF-style: chr15-75189947-CA-C.
Other names: c.*77del (NM_001289155.2); c.1000del, p.Thr334fs (NM_001289156.2); c.967del, p.Thr323fs (NM_001289157.2); c.1090del, p.Thr364fs (NM_001330372.2); short protein forms T323fs, T334fs, T364fs, T384fs.
Identifiers: ClinVar variation 4815032 (VCV004815032.1).

ClinVar aggregate classification (germline): Likely pathogenic (1 of 4 stars; one submission).

Conditions:
MPI-congenital disorder of glycosylation. Also called: CONGENITAL DISORDER OF GLYCOSYLATION, TYPE Ib; CDG Ib; MANNOSEPHOSPHATE ISOMERASE DEFICIENCY; PROTEIN-LOSING ENTEROPATHY-HEPATIC FIBROSIS SYNDROME; MPI-CDG; MPI DEFICIENCY. Identifiers: Orphanet 79319, MedGen C1865145, MONDO:0011257, OMIM 602579.

Submission:

Natera, Inc.
Classification: Likely pathogenic for Congenital disorder of glycosylation type 1b. Last evaluated: 2025-08-06. Review status: criteria provided, single submitter. Criteria: Natera Variant Classification Schema (03/2026). Collection method: clinical testing. Allele origin: germline.
Comment: The c.1150del variant in MPI is a frameshift variant predicted to shift the reading frame beginning at codon 384 and leads to a stop codon 23 codons downstream. This variant is expected to result in nonsense mediated decay, truncation, or a dysfunctional protein product. This variant is rare in the general population with a frequency below the threshold expected for the associated phenotype(s). Given the available evidence, this variant is classified as Likely Pathogenic.